The following is an entry in ClinVar:

NM_003184.4(TAF2):c.2139G>C (p.Trp713Cys)

Gene: TAF2 (TATA-box binding protein associated factor 2; minus strand). Cytogenetic location: 8q24.12.
Variant type: single nucleotide variant.
Coding change: c.2139G>C on transcript NM_003184.4 (MANE Select); coding-DNA position 2139, G replaced by C.
Protein change: p.Trp713Cys; replaces tryptophan 713 with cysteine.
Molecular consequence: missense variant.
Genome position (GRCh38, 1-based): chr8:119,781,167, C>G on the plus strand (G>C on the coding strand, the complement: TAF2 is on the minus strand). VCF-style: chr8-119781167-C-G. GRCh37 (hg19) VCF-style: chr8-120793407-C-G.
Other names: short protein forms W713C.
Identifiers: ClinVar variation 2429530 (VCV002429530.2), dbSNP rs2488347784, ClinGen allele CA371879339.

ClinVar aggregate classification (germline): Uncertain significance (1 of 4 stars; one submission).

Submission:

GeneDx
Classification: Uncertain significance. Last evaluated: 2024-10-03. Review status: criteria provided, single submitter. Criteria: GeneDx Variant Classification Process June 2021. Collection method: clinical testing. Allele origin: germline. Affected: yes.
Comment: Has not been previously published as pathogenic or benign to our knowledge; Not observed at significant frequency in large population cohorts (gnomAD); In silico analysis supports that this missense variant has a deleterious effect on protein structure/function